The following is an entry in ClinVar:

ClinVar aggregate classification (germline): Benign/Likely benign. Review status: criteria provided, multiple submitters, no conflicts (2 of 4 stars). 4 submissions from 4 submitters: Benign (1); Likely benign (3). Last evaluated 2026-01-10.

Conditions:
Hereditary cancer-predisposing syndrome. Also called: Hereditary Cancer Syndrome; Hereditary neoplastic syndrome; Neoplastic Syndromes, Hereditary; Tumor predisposition. Identifiers: Orphanet 140162, MedGen C0027672, MeSH D009386, MONDO:0015356.
Hereditary diffuse gastric adenocarcinoma (HDGC). Also called: DIFFUSE GASTRIC AND LOBULAR BREAST CANCER SYNDROME. Identifiers: Orphanet 26106, MedGen C1708349, MONDO:0007648, OMIM 137215.

Allele frequency attached by ClinVar (database versions not stated): TOPMed below 0.00001.

Submissions (4):

Labcorp Genetics (formerly Invitae), Labcorp
Classification: Likely benign for Hereditary diffuse gastric adenocarcinoma. Last evaluated: 2026-01-10. Review status: criteria provided, single submitter. Criteria: Invitae Variant Classification Sherloc (09022015). Collection method: clinical testing. Allele origin: germline.

Myriad Genetics, Inc.
Classification: Benign for Hereditary diffuse gastric adenocarcinoma. Last evaluated: 2024-09-23. Review status: criteria provided, single submitter. Criteria: Myriad Autosomal Dominant, Autosomal Recessive and X-Linked Classification Criteria (2023). Collection method: clinical testing. Allele origin: unknown.
Comment: This variant is considered benign. This variant is a silent/synonymous amino acid change and it is not expected to impact splicing.

Sema4
Classification: Likely benign for Hereditary cancer-predisposing syndrome. Last evaluated: 2021-12-22. Review status: criteria provided, single submitter. Criteria: Sema4 Curation Guidelines. Collection method: curation. Allele origin: germline.

Ambry Genetics
Classification: Likely benign for Hereditary cancer-predisposing syndrome. Last evaluated: 2020-04-07. Review status: criteria provided, single submitter. Criteria: Ambry Variant Classification Scheme 2023. Collection method: clinical testing. Allele origin: germline.

NM_004360.5(CDH1):c.2370C>A (p.Thr790=)

Gene: CDH1 (cadherin 1; plus strand). Cytogenetic location: 16q22.1.
Variant type: single nucleotide variant.
Coding change: c.2370C>A on transcript NM_004360.5 (MANE Select); coding-DNA position 2370, C replaced by A.
Protein change: p.Thr790=; no amino-acid change (threonine 790 retained).
Molecular consequence: synonymous variant.
Genome position (GRCh38, 1-based): chr16:68,829,728, C>A. VCF-style: chr16-68829728-C-A. GRCh37 (hg19) VCF-style: chr16-68863631-C-A.
Other names: c.2187C>A, p.Thr729= (NM_001317184.2); c.822C>A, p.Thr274= (NM_001317185.2); c.405C>A, p.Thr135= (NM_001317186.2).
Identifiers: ClinVar variation 1151287 (VCV001151287.13), dbSNP rs1596972620, ClinGen allele CA496157447.